The following is an entry in ClinVar:

ClinVar aggregate classification (germline): Uncertain significance (1 of 4 stars; one submission).

Submission:

CeGaT Center for Human Genetics Tuebingen
Classification: Uncertain significance. Last evaluated: 2022-06-01. Review status: criteria provided, single submitter. Criteria: CeGaT Center For Human Genetics Tuebingen Variant Classification Criteria Version 2. Collection method: clinical testing. Allele origin: germline. Affected: yes. Observed: 1 variant allele.
Comment: POLR1D: PM2, BP4

NM_152705.3(POLR1D):c.228G>C (p.Gln76His)

Genes: POLR1D (RNA polymerase I and III subunit D; plus strand), LOC147380392 (uncharacterized LOC147380392; plus strand). Cytogenetic location: 13q12.2.
Variant type: single nucleotide variant.
Coding change: c.228G>C on transcript NM_152705.3; coding-DNA position 228, G replaced by C.
Protein change: p.Gln76His; replaces glutamine 76 with histidine.
Molecular consequence: missense variant.
Genome position (GRCh38, 1-based): chr13:27,665,812, G>C. VCF-style: chr13-27665812-G-C. GRCh37 (hg19) VCF-style: chr13-28239949-G-C.
Other names: c.144G>C, p.Gln48His (NM_001206559.2); short protein forms Q48H, Q76H.
Identifiers: ClinVar variation 2643706 (VCV002643706.22), dbSNP rs1347710176, ClinGen allele CA387692275.